The following is an entry in ClinVar:

ClinVar aggregate classification (germline): Likely benign. Review status: criteria provided, multiple submitters, no conflicts (2 of 4 stars). 5 submissions from 5 submitters: Likely benign (5). Last evaluated 2025-10-23.

Conditions:
Cardiovascular phenotype. Identifiers: MedGen CN230736.
Cardiomyopathy (CMYO). Also called: Cardiomyopathies. Identifiers: Orphanet 167848, MedGen C0878544, MONDO:0004994, HP:0001638. Inheritance: Various modes of inheritance.
Hypertrophic cardiomyopathy. Also called: HYPERTROPHIC MYOCARDIOPATHY. Identifiers: Orphanet 217569, MedGen C0007194, MeSH D002312, MONDO:0005045, HP:0001639.

Allele frequency attached by ClinVar (database versions not stated): TOPMed below 0.00001; gnomAD 0.00001; gnomAD exomes 0.00001 and 0.00002.

Submissions (5):

Labcorp Genetics (formerly Invitae), Labcorp
Classification: Likely benign for Hypertrophic cardiomyopathy. Last evaluated: 2025-10-23. Review status: criteria provided, single submitter. Criteria: Invitae Variant Classification Sherloc (09022015). Collection method: clinical testing. Allele origin: germline.

Molecular Diagnostic Laboratory for Inherited Cardiovascular Disease, Montreal Heart Institute
Classification: Likely benign. Last evaluated: 2025-04-09. Review status: criteria provided, single submitter. Criteria: ACMG Guidelines, 2015. Collection method: clinical testing. Allele origin: germline. Affected: no.
Comment: BP7

Ambry Genetics
Classification: Likely benign for Cardiovascular phenotype. Last evaluated: 2023-02-23. Review status: criteria provided, single submitter. Criteria: Ambry Variant Classification Scheme 2023. Collection method: clinical testing. Allele origin: germline.

Color Diagnostics, LLC DBA Color Health
Classification: Likely benign for Cardiomyopathy. Last evaluated: 2019-01-20. Review status: criteria provided, single submitter. Criteria: ACMG Guidelines, 2015. Collection method: clinical testing. Allele origin: germline.

GeneDx
Classification: Likely benign. Last evaluated: 2017-05-24. Review status: criteria provided, single submitter. Criteria: GeneDx Variant Classification (06012015). Collection method: clinical testing. Allele origin: germline. Affected: yes.
Comment: This variant is considered likely benign or benign based on one or more of the following criteria: it is a conservative change, it occurs at a poorly conserved position in the protein, it is predicted to be benign by multiple in silico algorithms, and/or has population frequency not consistent with disease.

NM_000257.4(MYH7):c.1110G>A (p.Glu370=)

Gene: MYH7 (myosin heavy chain 7; minus strand). Cytogenetic location: 14q11.2.
Variant type: single nucleotide variant.
Coding change: c.1110G>A on transcript NM_000257.4 (MANE Select); coding-DNA position 1110, G replaced by A.
Protein change: p.Glu370=; no amino-acid change (glutamic acid 370 retained).
Molecular consequence: synonymous variant.
Genome position (GRCh38, 1-based): chr14:23,429,803, C>T on the plus strand (G>A on the coding strand, the complement: MYH7 is on the minus strand). VCF-style: chr14-23429803-C-T. GRCh37 (hg19) VCF-style: chr14-23899012-C-T.
Other names: c.1110G>A (LRG_384t1).
Identifiers: ClinVar variation 414335 (VCV000414335.15), dbSNP rs1060504232, ClinGen allele CA16614165.